The following is an entry in ClinVar:

NM_000037.4(ANK1):c.1066G>A (p.Val356Ile)

Gene: ANK1 (ankyrin 1; minus strand). Cytogenetic location: 8p11.21.
Variant type: single nucleotide variant.
Coding change: c.1066G>A on transcript NM_000037.4 (MANE Select); coding-DNA position 1066, G replaced by A.
Protein change: p.Val356Ile; replaces valine 356 with isoleucine.
Molecular consequence: missense variant.
Genome position (GRCh38, 1-based): chr8:41,719,702, C>T on the plus strand (G>A on the coding strand, the complement: ANK1 is on the minus strand). VCF-style: chr8-41719702-C-T. GRCh37 (hg19) VCF-style: chr8-41577220-C-T.
Other names: c.1165G>A, p.Val389Ile (NM_001142446.2); c.1066G>A, p.Val356Ile (NM_020475.3, NM_020476.3, NM_020477.3); short protein forms V356I, V389I.
Identifiers: ClinVar variation 1030547 (VCV001030547.3), dbSNP rs199832220, ClinGen allele CA4728758.

ClinVar aggregate classification (germline): Uncertain significance. Review status: criteria provided, multiple submitters, no conflicts (2 of 4 stars). 2 submissions from 2 submitters: Uncertain significance (2). Last evaluated 2023-09-14.

Conditions:
Hereditary spherocytosis type 1. Also called: Spherocytosis type 1; ANK1-Related Spherocytosis. Identifiers: Orphanet 822, MedGen C2674218, MONDO:0008447, OMIM 182900.
Inborn genetic diseases. Identifiers: MedGen C0950123, MeSH D030342.

Allele frequency attached by ClinVar (database versions not stated): gnomAD 0.00001 and 0.00003; ExAC 0.00004; gnomAD exomes 0.00005; TOPMed 0.00005; 1000 Genomes Project 30x 0.00016; 1000 Genomes Project 0.00020.
gnomAD v4.1: 81 of 1,614,232 alleles (0.005%); highest among the groups gnomAD compares: Admixed American, 0.025%; 1 homozygote.

Submissions (2):

Ambry Genetics
Classification: Uncertain significance for Inborn genetic diseases. Last evaluated: 2023-09-14. Review status: criteria provided, single submitter. Criteria: Ambry Variant Classification Scheme 2023. Collection method: clinical testing. Allele origin: germline.

Baylor Genetics
Classification: Uncertain significance for Hereditary spherocytosis type 1. Last evaluated: 2019-10-29. Review status: criteria provided, single submitter. Criteria: ACMG Guidelines, 2015. Collection method: clinical testing. Allele origin: unknown. Affected: yes.
Comment: This variant was determined to be of uncertain significance according to ACMG Guidelines, 2015 [PMID:25741868].